The following is an entry in ClinVar:

NM_001287.6(CLCN7):c.1618-3C>T

Gene: CLCN7 (chloride voltage-gated channel 7; minus strand). Cytogenetic location: 16p13.3.
Variant type: single nucleotide variant.
Coding change: c.1618-3C>T on transcript NM_001287.6 (MANE Select); 3 bases into the intron before coding-DNA position 1618, C replaced by T.
Molecular consequence: intron variant.
Genome position (GRCh38, 1-based): chr16:1,449,330, G>A on the plus strand (C>T on the coding strand, the complement: CLCN7 is on the minus strand). VCF-style: chr16-1449330-G-A. GRCh37 (hg19) VCF-style: chr16-1499331-G-A.
Other names: c.1546-3C>T (NM_001114331.3).
Identifiers: ClinVar variation 1936131 (VCV001936131.5), dbSNP rs560186122, ClinGen allele CA7810141.
Genomic context (GRCh38, chr16:1,449,330, plus strand): 5'-ACATACCCAGCTGGGCAGCAGCTCCCATCAGGGCGTATTTGCCGGGGTCCGCCCAGATCT[G>A]TGGGAGGTGACACGGAGGAGGTGTCAGTGTGGTGGCAGGCCCAAACCCACCAAGATACAC-3'

ClinVar aggregate classification (germline): Uncertain significance (1 of 4 stars; one submission).

Allele frequency attached by ClinVar (database versions not stated): gnomAD 0.00001; TOPMed 0.00002; ExAC 0.00003; 1000 Genomes Project 0.00020; 1000 Genomes Project 30x 0.00031.
gnomAD v4.1: 2 of 1,583,322 alleles (0.00013%); highest among the groups gnomAD compares: Admixed American, 0.0036%; no homozygotes.

Submission:

Labcorp Genetics (formerly Invitae), Labcorp
Classification: Uncertain significance. Last evaluated: 2023-06-13. Review status: criteria provided, single submitter. Criteria: Invitae Variant Classification Sherloc (09022015). Collection method: clinical testing. Allele origin: germline.
Comment: In summary, the available evidence is currently insufficient to determine the role of this variant in disease. Therefore, it has been classified as a Variant of Uncertain Significance. Variants that disrupt the consensus splice site are a relatively common cause of aberrant splicing (PMID: 17576681, 9536098). Algorithms developed to predict the effect of sequence changes on RNA splicing suggest that this variant is not likely to affect RNA splicing. ClinVar contains an entry for this variant (Variation ID: 1936131). This variant has not been reported in the literature in individuals affected with CLCN7-related conditions. The frequency data for this variant in the population databases is considered unreliable, as metrics indicate poor data quality at this position in the gnomAD database. This sequence change falls in intron 17 of the CLCN7 gene. It does not directly change the encoded amino acid sequence of the CLCN7 protein. It affects a nucleotide within the consensus splice site.

Literature cited by the submitters: PubMed 17576681; PubMed 9536098.